The following is an entry in ClinVar:

NM_001113491.2(SEPTIN9):c.1688A>C (p.Lys563Thr)

Gene: SEPTIN9 (septin 9; plus strand). Cytogenetic location: 17q25.3.
Variant type: single nucleotide variant.
Coding change: c.1688A>C on transcript NM_001113491.2 (MANE Select); coding-DNA position 1688, A replaced by C.
Protein change: p.Lys563Thr; replaces lysine 563 with threonine.
Molecular consequence: missense variant.
Genome position (GRCh38, 1-based): chr17:77,498,585, A>C. VCF-style: chr17-77498585-A-C. GRCh37 (hg19) VCF-style: chr17-75494667-A-C.
Other names: c.1196A>C, p.Lys399Thr (NM_001113492.2, NM_001113494.1); c.1667A>C, p.Lys556Thr (NM_001113493.2); c.935A>C, p.Lys312Thr (NM_001113495.2, NM_001113496.2, NM_001293697.2 and 1 more transcripts); c.1631A>C, p.Lys544Thr (NM_001293695.2); c.1016A>C, p.Lys339Thr (NM_001293696.2); c.1634A>C, p.Lys545Thr (NM_006640.5); short protein forms K312T, K339T, K399T, K544T, K545T, K556T, K563T.
Identifiers: ClinVar variation 4807995 (VCV004807995.1).
Genomic context (GRCh38, chr17:77,498,585, plus strand): 5'-CGCACATGCAGAACATCAAGGACATCACCAGCAGCATCCACTTCGAGGCGTACCGTGTGA[A>C]GCGCCTCAACGAGGGCAGCAGCGCCATGGCCAACGGCATGGAGGAGAAGGAGCCAGAAGC-3'
Protein context (NP_001106963.1, residues 553-573): SSIHFEAYRV[Lys563Thr]RLNEGSSAMA

ClinVar aggregate classification (germline): Uncertain significance (1 of 4 stars; one submission).

Submission:

Labcorp Genetics (formerly Invitae), Labcorp
Classification: Uncertain significance. Last evaluated: 2025-11-21. Review status: criteria provided, single submitter. Criteria: Invitae Variant Classification Sherloc (09022015). Collection method: clinical testing. Allele origin: germline.
Comment: This sequence change replaces lysine, which is basic and polar, with threonine, which is neutral and polar, at codon 545 of the SEPT9 protein (p.Lys545Thr). This variant is not present in population databases (gnomAD no frequency). This variant has not been reported in the literature in individuals affected with SEPT9-related conditions. Invitae Evidence Modeling of protein sequence and biophysical properties (such as structural, functional, and spatial information, amino acid conservation, physicochemical variation, residue mobility, and thermodynamic stability) indicates that this missense variant is not expected to disrupt SEPT9 protein function with a negative predictive value of 80%. In summary, the available evidence is currently insufficient to determine the role of this variant in disease. Therefore, it has been classified as a Variant of Uncertain Significance.